The following is an entry in ClinVar:

NM_000368.5(TSC1):c.2382G>A (p.Gln794=)

Gene: TSC1 (TSC complex subunit 1; minus strand). Cytogenetic location: 9q34.13.
Variant type: single nucleotide variant.
Coding change: c.2382G>A on transcript NM_000368.5 (MANE Select); coding-DNA position 2382, G replaced by A.
Protein change: p.Gln794=; no amino-acid change (glutamine 794 retained).
Molecular consequence: synonymous variant. On other transcripts: non-coding transcript variant (5).
Genome position (GRCh38, 1-based): chr9:132,902,614, C>T on the plus strand (G>A on the coding strand, the complement: TSC1 is on the minus strand). VCF-style: chr9-132902614-C-T. GRCh37 (hg19) VCF-style: chr9-135778001-C-T.
Other names: c.2379G>A, p.Gln793= (NM_001162426.2, NM_001406597.1, NM_001406598.1 and 4 more transcripts); c.2229G>A, p.Gln743= (NM_001162427.2, NM_001406610.1); c.2019G>A, p.Gln673= (NM_001362177.2, NM_001406614.1, NM_001406615.1 and 5 more transcripts); c.2382G>A, p.Gln794= (NM_001406592.1, NM_001406593.1, NM_001406594.1 and 5 more transcripts); c.2367G>A, p.Gln789= (NM_001406601.1, NM_001406602.1); c.2364G>A, p.Gln788= (NM_001406603.1, NM_001406604.1); c.2226G>A, p.Gln742= (NM_001406611.1, NM_001406612.1, NM_001406613.1); c.2016G>A, p.Gln672= (NM_001406620.1, NM_001406621.1, NM_001406622.1 and 2 more transcripts); and 3 more.
Identifiers: ClinVar variation 4071240 (VCV004071240.2).

ClinVar aggregate classification (germline): Benign/Likely benign. Review status: criteria provided, multiple submitters, no conflicts (2 of 4 stars). 2 submissions from 2 submitters: Benign (1); Likely benign (1). Last evaluated 2025-07-24.

Conditions:
Tuberous sclerosis 1 (TSC1). Identifiers: Orphanet 805, MedGen C1854465, MONDO:0008612, OMIM 191100.

Submissions (2):

Labcorp Genetics (formerly Invitae), Labcorp
Classification: Likely benign for Tuberous sclerosis 1. Last evaluated: 2025-07-24. Review status: criteria provided, single submitter. Criteria: Invitae Variant Classification Sherloc (09022015). Collection method: clinical testing. Allele origin: germline.

Myriad Genetics, Inc.
Classification: Benign for Tuberous sclerosis 1. Last evaluated: 2025-04-25. Review status: criteria provided, single submitter. Criteria: Myriad Autosomal Dominant, Autosomal Recessive and X-Linked Classification Criteria (2023). Collection method: clinical testing. Allele origin: unknown.
Comment: This variant is considered benign. This variant is a silent/synonymous amino acid change and it is not expected to impact splicing.